The following is an entry in ClinVar:

NM_000214.3(JAG1):c.50T>G (p.Leu17Arg)

Gene: JAG1 (jagged canonical Notch ligand 1; minus strand). Cytogenetic location: 20p12.2.
Variant type: single nucleotide variant.
Coding change: c.50T>G on transcript NM_000214.3 (MANE Select); coding-DNA position 50, T replaced by G.
Protein change: p.Leu17Arg; replaces leucine 17 with arginine.
Molecular consequence: missense variant.
Genome position (GRCh38, 1-based): chr20:10,673,481, A>C on the plus strand (T>G on the coding strand, the complement: JAG1 is on the minus strand). VCF-style: chr20-10673481-A-C. GRCh37 (hg19) VCF-style: chr20-10654129-A-C.
Other names: short protein forms L17R.
Identifiers: ClinVar variation 3573452 (VCV003573452.2).
Genomic context (GRCh38, chr20:10,673,481, plus strand): 5'-GGGAGGGAGGCCCGGAGAAGGGCTCCTACCTTGGCTCGCAGGGCACAGAGCAGGGCGAGC[A>C]GGAGGCTTAGGGGGCGCCCGGACCGGCCGCGCGTCCGTGGGGAACGCATCGCTGCGCCGC-3'
Protein context (NP_000205.1, residues 7-27): RGRSGRPLSL[Leu17Arg]LALLCALRAK

Conditions:
Arteriohepatic dysplasia. Also called: Alagille Syndrome. Identifiers: Orphanet 52, MedGen C0085280, MeSH D016738, MONDO:0007318.

Submission:

Gilbert/Spinner Lab, Children's Hospital of Philadelphia
No classification provided (evidence only). Condition: Alagille syndrome. Review status: no classification provided. Collection method: research. Allele origin: not applicable. Functional consequence: functionally_abnormal.
ClinVar note: "not provided" was previously submitted as the classification for the variant. However, the classification appeared to be based only on an observation of functional data so it was converted to no classification on 2025-07-30.